The following is an entry in ClinVar:

NM_004958.4(MTOR):c.1300T>G (p.Phe434Val)

Gene: MTOR (mechanistic target of rapamycin kinase; minus strand). Cytogenetic location: 1p36.22.
Variant type: single nucleotide variant.
Coding change: c.1300T>G on transcript NM_004958.4 (MANE Select); coding-DNA position 1300, T replaced by G.
Protein change: p.Phe434Val; replaces phenylalanine 434 with valine.
Molecular consequence: missense variant.
Genome position (GRCh38, 1-based): chr1:11,243,226, A>C on the plus strand (T>G on the coding strand, the complement: MTOR is on the minus strand). VCF-style: chr1-11243226-A-C. GRCh37 (hg19) VCF-style: chr1-11303283-A-C.
Other names: c.1300T>G, p.Phe434Val (NM_001386500.1); c.52T>G, p.Phe18Val (NM_001386501.1); short protein forms F18V, F434V.
Identifiers: ClinVar variation 2857996 (VCV002857996.3), dbSNP rs2523355757, ClinGen allele CA338396490.

ClinVar aggregate classification (germline): Uncertain significance (1 of 4 stars; one submission).

gnomAD v4.1: 1 of 1,614,180 alleles (0.000062%); highest among the groups gnomAD compares: African/African-American, 0.0013%; no homozygotes.

Submission:

Labcorp Genetics (formerly Invitae), Labcorp
Classification: Uncertain significance. Last evaluated: 2023-08-02. Review status: criteria provided, single submitter. Criteria: Invitae Variant Classification Sherloc (09022015). Collection method: clinical testing. Allele origin: germline.
Comment: In summary, the available evidence is currently insufficient to determine the role of this variant in disease. Therefore, it has been classified as a Variant of Uncertain Significance. Advanced modeling of protein sequence and biophysical properties (such as structural, functional, and spatial information, amino acid conservation, physicochemical variation, residue mobility, and thermodynamic stability) performed at Invitae indicates that this missense variant is not expected to disrupt MTOR protein function. This variant has not been reported in the literature in individuals affected with MTOR-related conditions. This variant is not present in population databases (gnomAD no frequency). This sequence change replaces phenylalanine, which is neutral and non-polar, with valine, which is neutral and non-polar, at codon 434 of the MTOR protein (p.Phe434Val).